The following is an entry in ClinVar:

NM_001271049.2(CFAP221):c.2145C>G (p.Pro715=)

Gene: CFAP221 (cilia and flagella associated protein 221; plus strand). Cytogenetic location: 2q14.2.
Variant type: single nucleotide variant.
Coding change: c.2145C>G on transcript NM_001271049.2 (MANE Select); coding-DNA position 2145, C replaced by G.
Protein change: p.Pro715=; no amino-acid change (proline 715 retained).
Molecular consequence: synonymous variant. On other transcripts: non-coding transcript variant (1).
Genome position (GRCh38, 1-based): chr2:119,639,792, C>G. VCF-style: chr2-119639792-C-G. GRCh37 (hg19) VCF-style: chr2-120397368-C-G.
Identifiers: ClinVar variation 3388871 (VCV003388871.14).
Genomic context (GRCh38, chr2:119,639,792, plus strand): 5'-ACTTTACCTCACCAAACAGTTGCTTCCCATGTGCTGACTTTCCTTACAGGACATTATTCC[C>G]GGAATAATGCACTGGAAAAGCTTCCAGTCCCTGGTTCTCTCCTCCCTGCCGGACCCCTCC-3'
Protein context (NP_001257978.2, residues 705-725): KQFLHHTDII[Pro715=]GIMHWKSFQS

ClinVar aggregate classification (germline): Likely benign (1 of 4 stars; one submission).

Submission:

CeGaT Center for Human Genetics Tuebingen
Classification: Likely benign. Last evaluated: 2024-10-01. Review status: criteria provided, single submitter. Criteria: CeGaT Center For Human Genetics Tuebingen Variant Classification Criteria Version 2. Collection method: clinical testing. Allele origin: germline. Affected: yes. Observed: 1 variant allele.
Comment: CFAP221: PM2:Supporting, BP4, BP7